The following is an entry in ClinVar:

NM_002025.4(AFF2):c.2351T>G (p.Met784Arg)

Gene: AFF2 (ALF transcription elongation factor 2; plus strand). Cytogenetic location: Xq28.
Variant type: single nucleotide variant.
Coding change: c.2351T>G on transcript NM_002025.4 (MANE Select); coding-DNA position 2351, T replaced by G.
Protein change: p.Met784Arg; replaces methionine 784 with arginine.
Molecular consequence: missense variant.
Genome position (GRCh38, 1-based): chrX:148,956,396, T>G. VCF-style: chrX-148956396-T-G. GRCh37 (hg19) VCF-style: chrX-148037926-T-G.
Other names: NC_000023.10:g.148037926T>G; c.2252T>G, p.Met751Arg (NM_001169122.2); c.2321T>G, p.Met774Arg (NM_001169123.2); c.2246T>G, p.Met749Arg (NM_001169124.2); c.2234T>G, p.Met745Arg (NM_001169125.2); c.1274T>G, p.Met425Arg (NM_001170628.1); c.2351T>G (NM_002025.3); short protein forms M425R, M745R, M749R, M751R, M774R, M784R.
Identifiers: ClinVar variation 2661609 (VCV002661609.26), dbSNP rs147852345, ClinGen allele CA10537130.

ClinVar aggregate classification (germline): Likely benign. Review status: criteria provided, single submitter (1 of 4 stars). 2 submissions from 2 submitters: Likely benign (1). 1 of the submissions does not count toward it. Last evaluated 2023-02-01.

Conditions:
AFF2-related disorder. Also called: AFF2-related condition.

Allele frequency attached by ClinVar (database versions not stated): ExAC 0.00015; gnomAD 0.00017; 1000 Genomes Project 30x 0.00021; 1000 Genomes Project 0.00026; gnomAD exomes 0.00034; ESP Exome Variant Server 0.00038.
gnomAD v4.1: 383 of 1,209,697 alleles (0.032%); highest among the groups gnomAD compares: Non-Finnish European, 0.042%; no homozygotes.

Submissions (3):

CeGaT Center for Human Genetics Tuebingen
Classification: Likely benign. Last evaluated: 2023-02-01. Review status: criteria provided, single submitter. Criteria: CeGaT Center For Human Genetics Tuebingen Variant Classification Criteria Version 2. Collection method: clinical testing. Allele origin: germline. Affected: yes. Observed: 2 variant alleles.
Comment: AFF2: BP4, BS2

PreventionGenetics, part of Exact Sciences
Classification: Likely benign for AFF2-related condition. Last evaluated: 2022-08-21. Review status: no assertion criteria provided. Collection method: clinical testing. Allele origin: germline. Not counted in ClinVar's aggregate classification.
Comment: This variant is classified as likely benign based on ACMG/AMP sequence variant interpretation guidelines (Richards et al. 2015 PMID: 25741868, with internal and published modifications).

Dr. Peter K. Rogan Lab, Western University
No classification provided (evidence only). Condition: Melanoma. Review status: no classification provided. Collection method: in vitro. Allele origin: not applicable. Functional consequence: retained intron. Not counted in ClinVar's aggregate classification.